The following is an entry in ClinVar:

NM_001130987.2(DYSF):c.5458-4G>A

Gene: DYSF (dysferlin; plus strand). Cytogenetic location: 2p13.2.
Variant type: single nucleotide variant.
Coding change: c.5458-4G>A on transcript NM_001130987.2 (MANE Select); 4 bases into the intron before coding-DNA position 5458, G replaced by A.
Molecular consequence: intron variant.
Genome position (GRCh38, 1-based): chr2:71,668,750, G>A. VCF-style: chr2-71668750-G-A. GRCh37 (hg19) VCF-style: chr2-71895880-G-A.
Other names: p.?; c.5434-4G>A (NM_001130979.2); c.5455-4G>A (NM_001130981.2); c.5392-4G>A (NM_001130980.2); c.5404-4G>A (NM_001130978.2); c.5341-4G>A (NM_003494.4); c.5362-4G>A (NM_001130977.2); c.5299-4G>A (NM_001130976.2); and 6 more.
Identifiers: ClinVar variation 707809 (VCV000707809.11), dbSNP rs749655069, ClinGen allele CA1707396.

ClinVar aggregate classification (germline): Likely benign. Review status: criteria provided, multiple submitters, no conflicts (2 of 4 stars). 2 submissions from 2 submitters: Likely benign (2). Last evaluated 2025-08-29.

Conditions:
Neuromuscular disease caused by qualitative or quantitative defects of dysferlin. Also called: Qualitative or quantitative defects of dysferlin; Dysferlinopathy. Identifiers: Orphanet 207073, MedGen C2931687, MONDO:0016145.

Allele frequency attached by ClinVar (database versions not stated): ExAC 0.00002; TOPMed 0.00004.
gnomAD v4.1: 45 of 1,613,054 alleles (0.0028%); highest among the groups gnomAD compares: East Asian, 0.0089%; no homozygotes.

Submissions (2):

Labcorp Genetics (formerly Invitae), Labcorp
Classification: Likely benign for Neuromuscular disease caused by qualitative or quantitative defects of dysferlin. Last evaluated: 2025-08-29. Review status: criteria provided, single submitter. Criteria: Invitae Variant Classification Sherloc (09022015). Collection method: clinical testing. Allele origin: germline.

Mayo Clinic Laboratories, Mayo Clinic
Classification: Likely benign. Last evaluated: 2025-06-17. Review status: criteria provided, single submitter. Criteria: ACMG Guidelines, 2015. Collection method: clinical testing. Allele origin: germline. Observed: 2 variant alleles.
Comment: BP4, BP7